The following is an entry in ClinVar:

NM_001267550.2(TTN):c.94313G>A (p.Ser31438Asn)

Genes: TTN (titin; minus strand), TTN-AS1 (TTN antisense RNA 1; plus strand). Cytogenetic location: 2q31.2.
Variant type: single nucleotide variant.
Coding change: c.94313G>A on transcript NM_001267550.2 (MANE Select); coding-DNA position 94313, G replaced by A.
Protein change: p.Ser31438Asn; replaces serine 31438 with asparagine.
Molecular consequence: missense variant.
Genome position (GRCh38, 1-based): chr2:178,547,212, C>T on the plus strand (G>A on the coding strand, the complement: TTN is on the minus strand). VCF-style: chr2-178547212-C-T. GRCh37 (hg19) VCF-style: chr2-179411939-C-T.
Other names: c.89390G>A, p.Ser29797Asn (NM_001256850.1); c.67118G>A, p.Ser22373Asn (NM_003319.4); c.86609G>A, p.Ser28870Asn (NM_133378.4); c.67493G>A, p.Ser22498Asn (NM_133432.3); c.67694G>A, p.Ser22565Asn (NM_133437.4); short protein forms S22373N, S22498N, S22565N, S28870N, S29797N, S31438N.
Identifiers: ClinVar variation 4080763 (VCV004080763.2).

ClinVar aggregate classification (germline): Uncertain significance. Review status: criteria provided, multiple submitters, no conflicts (2 of 4 stars). 2 submissions from 2 submitters: Uncertain significance (2). Last evaluated 2026-04-22.

gnomAD v4.1: 3 of 1,613,822 alleles (0.00019%); highest among the groups gnomAD compares: Admixed American, 0.0033%; no homozygotes.

Submissions (2):

GeneDx
Classification: Uncertain significance. Last evaluated: 2026-04-22. Review status: criteria provided, single submitter. Criteria: GeneDx Variant Classification Process June 2021. Collection method: clinical testing. Allele origin: germline.
Comment: Not observed at significant frequency in large population cohorts (gnomAD); Missense variant in a gene in which most reported pathogenic variants are truncating/loss of function; Has not been previously published as pathogenic or benign to our knowledge

Revvity Omics, Revvity
Classification: Uncertain significance. Last evaluated: 2024-01-18. Review status: criteria provided, single submitter. Criteria: ACMG Guidelines, 2015. Collection method: clinical testing. Allele origin: germline.